The following is an entry in ClinVar:

NM_001252024.2(TRPM1):c.3487C>A (p.Arg1163Ser)

Genes: TRPM1 (transient receptor potential cation channel subfamily M member 1; minus strand), TRPM1-AS1 (TRPM1 antisense RNA 1; plus strand), LOC126862088 (BRD4-independent group 4 enhancer GRCh37_chr15:31318084-31319283; plus strand). Cytogenetic location: 15q13.3.
Variant type: single nucleotide variant.
Coding change: c.3487C>A on transcript NM_001252024.2 (MANE Select); coding-DNA position 3487, C replaced by A.
Protein change: p.Arg1163Ser; replaces arginine 1163 with serine.
Molecular consequence: missense variant.
Genome position (GRCh38, 1-based): chr15:31,026,924, G>T on the plus strand (C>A on the coding strand, the complement: TRPM1 is on the minus strand). VCF-style: chr15-31026924-G-T. GRCh37 (hg19) VCF-style: chr15-31319127-G-T.
Other names: c.3538C>A, p.Arg1180Ser (NM_001252020.2); c.3421C>A, p.Arg1141Ser (NM_002420.6); short protein forms R1180S, R1163S, R1141S.
Identifiers: ClinVar variation 1380248 (VCV001380248.6), dbSNP rs763463725, ClinGen allele CA391541017.

ClinVar aggregate classification (germline): Uncertain significance (1 of 4 stars; one submission).

gnomAD v4.1: 2 of 1,613,794 alleles (0.00012%); highest among the groups gnomAD compares: Admixed American, 0.0017%; no homozygotes.

Submission:

Labcorp Genetics (formerly Invitae), Labcorp
Classification: Uncertain significance. Last evaluated: 2022-07-25. Review status: criteria provided, single submitter. Criteria: Invitae Variant Classification Sherloc (09022015). Collection method: clinical testing. Allele origin: germline.
Comment: In summary, the available evidence is currently insufficient to determine the role of this variant in disease. Therefore, it has been classified as a Variant of Uncertain Significance. Algorithms developed to predict the effect of missense changes on protein structure and function (SIFT, PolyPhen-2, Align-GVGD) all suggest that this variant is likely to be tolerated. ClinVar contains an entry for this variant (Variation ID: 1380248). This variant has not been reported in the literature in individuals affected with TRPM1-related conditions. This variant is not present in population databases (gnomAD no frequency). This sequence change replaces arginine, which is basic and polar, with serine, which is neutral and polar, at codon 1141 of the TRPM1 protein (p.Arg1141Ser).